The following is an entry in ClinVar:

ClinVar aggregate classification (germline): Conflicting classifications of pathogenicity. Review status: criteria provided, conflicting classifications (1 of 4 stars). 2 submissions from 2 submitters: Uncertain significance (1); Likely benign (1). Last evaluated 2025-10-30.

Conditions:
BAP1-related tumor predisposition syndrome (TPDS1). Also called: COMMON Syndrome; BAP1 tumor predisposition syndrome; Tumor susceptibility linked to germline BAP1 mutations; TUMOR PREDISPOSITION SYNDROME 1. Identifiers: Orphanet 289539, MedGen C3280492, MONDO:0013692, OMIM 614327.
Hereditary cancer-predisposing syndrome. Also called: Neoplastic Syndromes, Hereditary; Hereditary Cancer Syndrome; Hereditary neoplastic syndrome; Tumor predisposition. Identifiers: Orphanet 140162, MedGen C0027672, MeSH D009386, MONDO:0015356.

Submissions (2):

Ambry Genetics
Classification: Likely benign for Hereditary cancer-predisposing syndrome. Last evaluated: 2025-10-30. Review status: criteria provided, single submitter. Criteria: Ambry Variant Classification Scheme 2023. Collection method: clinical testing. Allele origin: germline.

Labcorp Genetics (formerly Invitae), Labcorp
Classification: Uncertain significance for BAP1-related tumor predisposition syndrome. Last evaluated: 2023-03-04. Review status: criteria provided, single submitter. Criteria: Invitae Variant Classification Sherloc (09022015). Collection method: clinical testing. Allele origin: germline.
Comment: In summary, the available evidence is currently insufficient to determine the role of this variant in disease. Therefore, it has been classified as a Variant of Uncertain Significance. Advanced modeling of protein sequence and biophysical properties (such as structural, functional, and spatial information, amino acid conservation, physicochemical variation, residue mobility, and thermodynamic stability) performed at Invitae indicates that this missense variant is not expected to disrupt BAP1 protein function. This variant has not been reported in the literature in individuals affected with BAP1-related conditions. This variant is not present in population databases (gnomAD no frequency). This sequence change replaces valine, which is neutral and non-polar, with isoleucine, which is neutral and non-polar, at codon 523 of the BAP1 protein (p.Val523Ile).

NM_004656.4(BAP1):c.1567G>A (p.Val523Ile)

Gene: BAP1 (BRCA1 associated deubiquitinase 1; minus strand). Cytogenetic location: 3p21.1.
Variant type: single nucleotide variant.
Coding change: c.1567G>A on transcript NM_004656.4 (MANE Select); coding-DNA position 1567, G replaced by A.
Protein change: p.Val523Ile; replaces valine 523 with isoleucine.
Molecular consequence: missense variant.
Genome position (GRCh38, 1-based): chr3:52,403,578, C>T on the plus strand (G>A on the coding strand, the complement: BAP1 is on the minus strand). VCF-style: chr3-52403578-C-T. GRCh37 (hg19) VCF-style: chr3-52437594-C-T.
Other names: c.1513G>A, p.Val505Ile (NM_001410772.1); short protein forms V505I, V523I.
Identifiers: ClinVar variation 2842772 (VCV002842772.4), dbSNP rs2153226665, ClinGen allele CA353100650.